The following is an entry in ClinVar:

ClinVar aggregate classification (germline): Uncertain significance (1 of 4 stars; one submission).

Submission:

GeneDx
Classification: Uncertain significance. Last evaluated: 2024-12-16. Review status: criteria provided, single submitter. Criteria: GeneDx Variant Classification Process June 2021. Collection method: clinical testing. Allele origin: germline. Affected: yes.
Comment: Not observed at significant frequency in large population cohorts (gnomAD); In silico analysis indicates that this missense variant does not alter protein structure/function; Has not been previously published as pathogenic or benign to our knowledge

NM_013245.3(VPS4A):c.289A>C (p.Ser97Arg)

Gene: VPS4A (vacuolar protein sorting 4 homolog A; plus strand). Cytogenetic location: 16q22.1.
Variant type: single nucleotide variant.
Coding change: c.289A>C on transcript NM_013245.3 (MANE Select); coding-DNA position 289, A replaced by C.
Protein change: p.Ser97Arg; replaces serine 97 with arginine.
Molecular consequence: missense variant.
Genome position (GRCh38, 1-based): chr16:69,318,657, A>C. VCF-style: chr16-69318657-A-C. GRCh37 (hg19) VCF-style: chr16-69352560-A-C.
Other names: short protein forms S97R.
Identifiers: ClinVar variation 3903136 (VCV003903136.1).